The following is an entry in ClinVar:

ClinVar aggregate classification (germline): Uncertain significance. Review status: criteria provided, multiple submitters, no conflicts (2 of 4 stars). 3 submissions from 3 submitters: Uncertain significance (3). Last evaluated 2024-06-17.

Conditions:
Peroxisome biogenesis disorder 9B. Also called: PEX7-Related Refsum Disease; PEROXISOME BIOGENESIS DISORDER, PEX7-RELATED, ATYPICAL; Refsum disease, adult, 2. Identifiers: Orphanet 773, MedGen C2749346, MONDO:0013945, OMIM 614879.

Allele frequency attached by ClinVar (database versions not stated): gnomAD 0.00001; gnomAD exomes 0.00002 and 0.00004; TOPMed below 0.00001; ExAC 0.00001.
gnomAD v4.1: 23 of 1,505,756 alleles (0.0015%); highest among the groups gnomAD compares: South Asian, 0.011%; no homozygotes.

Submissions (3):

Women's Health and Genetics/Laboratory Corporation of America, LabCorp
Classification: Uncertain significance. Last evaluated: 2024-06-17. Review status: criteria provided, single submitter. Criteria: LabCorp Variant Classification Summary - May 2015. Collection method: clinical testing. Allele origin: germline.

Labcorp Genetics (formerly Invitae), Labcorp
Classification: Uncertain significance for Peroxisome biogenesis disorder 9B. Last evaluated: 2022-01-27. Review status: criteria provided, single submitter. Criteria: Invitae Variant Classification Sherloc (09022015). Collection method: clinical testing. Allele origin: germline.
Comment: This sequence change falls in intron 9 of the PEX7 gene. It does not directly change the encoded amino acid sequence of the PEX7 protein. It affects a nucleotide within the consensus splice site. This variant is present in population databases (rs758226348, gnomAD 0.01%). This variant has not been reported in the literature in individuals affected with PEX7-related conditions. ClinVar contains an entry for this variant (Variation ID: 596244). Variants that disrupt the consensus splice site are a relatively common cause of aberrant splicing (PMID: 17576681, 9536098). Algorithms developed to predict the effect of sequence changes on RNA splicing suggest that this variant may disrupt the consensus splice site. In summary, the available evidence is currently insufficient to determine the role of this variant in disease. Therefore, it has been classified as a Variant of Uncertain Significance.

Eurofins Ntd Llc (ga)
Classification: Uncertain significance. Last evaluated: 2018-02-22. Review status: criteria provided, single submitter. Criteria: EGL ClinVar v180209 classification definitions. Collection method: clinical testing. Allele origin: germline. Observed: 1 variant allele, 1 heterozygote.

Literature cited by the submitters: PubMed 17576681 (cited by Labcorp Genetics (formerly Invitae), Labcorp); PubMed 9536098 (cited by Labcorp Genetics (formerly Invitae), Labcorp).

NM_000288.4(PEX7):c.903+6G>A

Gene: PEX7 (peroxisomal biogenesis factor 7; plus strand). Cytogenetic location: 6q23.3.
Variant type: single nucleotide variant.
Coding change: c.903+6G>A on transcript NM_000288.4 (MANE Select); 6 bases into the intron after coding-DNA position 903, G replaced by A.
Molecular consequence: intron variant.
Genome position (GRCh38, 1-based): chr6:136,898,247, G>A. VCF-style: chr6-136898247-G-A. GRCh37 (hg19) VCF-style: chr6-137219385-G-A.
Identifiers: ClinVar variation 596244 (VCV000596244.7), dbSNP rs758226348, ClinGen allele CA4017787.